The following is an entry in ClinVar:

ClinVar aggregate classification (germline): Conflicting classifications of pathogenicity. Review status: criteria provided, conflicting classifications (1 of 4 stars). 2 submissions from 2 submitters: Likely pathogenic (1); Uncertain significance (1). Last evaluated 2025-03-30.

Conditions:
Sandhoff disease. Also called: Beta-hexosaminidase-beta-subunit deficiency; GM2 gangliosidosis, type 2; Total hexosaminidase deficiency; Sandhoff-Jatzkewitz-Pilz disease; GM2-GANGLIOSIDOSIS, TYPE II; HEXOSAMINIDASES A AND B DEFICIENCY. Identifiers: Orphanet 796, MedGen C0036161, MONDO:0010006, OMIM 268800.

Submissions (2):

3billion
Classification: Uncertain significance for Sandhoff disease. Last evaluated: 2025-03-30. Review status: criteria provided, single submitter. Criteria: ACMG Guidelines, 2015. Collection method: clinical testing. Allele origin: germline. Affected: yes.

Labcorp Genetics (formerly Invitae), Labcorp
Classification: Likely pathogenic for Sandhoff disease. Last evaluated: 2021-08-02. Review status: criteria provided, single submitter. Criteria: Invitae Variant Classification Sherloc (09022015). Collection method: clinical testing. Allele origin: germline.
Comment: In summary, the currently available evidence indicates that the variant is pathogenic, but additional data are needed to prove that conclusively. Therefore, this variant has been classified as Likely Pathogenic. Advanced modeling of protein sequence and biophysical properties (such as structural, functional, and spatial information, amino acid conservation, physicochemical variation, residue mobility, and thermodynamic stability) performed at Invitae indicates that this missense variant is expected to disrupt HEXB protein function. This variant has been observed in individual(s) with clinical features of Sandhoff disease (Invitae). In at least one individual the data is consistent with the variant being in trans (on the opposite chromosome) from a pathogenic variant. This variant is not present in population databases (ExAC no frequency). This sequence change replaces threonine with isoleucine at codon 291 of the HEXB protein (p.Thr291Ile). The threonine residue is moderately conserved and there is a moderate physicochemical difference between threonine and isoleucine.

NM_000521.4(HEXB):c.872C>T (p.Thr291Ile)

Gene: HEXB (hexosaminidase subunit beta; plus strand). Cytogenetic location: 5q13.3.
Variant type: single nucleotide variant.
Coding change: c.872C>T on transcript NM_000521.4 (MANE Select); coding-DNA position 872, C replaced by T.
Protein change: p.Thr291Ile; replaces threonine 291 with isoleucine.
Molecular consequence: missense variant.
Genome position (GRCh38, 1-based): chr5:74,713,606, C>T. VCF-style: chr5-74713606-C-T. GRCh37 (hg19) VCF-style: chr5-74009431-C-T.
Other names: c.197C>T, p.Thr66Ile (NM_001292004.2); short protein forms T291I, T66I.
Identifiers: ClinVar variation 1520026 (VCV001520026.9), dbSNP rs2112171931, ClinGen allele CA360067168.